The following is an entry in ClinVar:

ClinVar aggregate classification (germline): Uncertain significance (1 of 4 stars; one submission).

Conditions:
Sphingolipid activator protein 1 deficiency. Also called: Metachromatic leukodystrophy due to saposin B deficiency; METACHROMATIC LEUKODYSTROPHY DUE TO CEREBROSIDE SULFATASE ACTIVATOR DEFICIENCY; Saposin B Deficiency. Identifiers: Orphanet 512, MedGen C0268262, MONDO:0009590, OMIM 249900.

gnomAD v4.1: 3 of 1,614,072 alleles (0.00019%); highest among the groups gnomAD compares: Admixed American, 0.0033%; no homozygotes.

Submission:

Labcorp Genetics (formerly Invitae), Labcorp
Classification: Uncertain significance for Sphingolipid activator protein 1 deficiency. Last evaluated: 2024-10-17. Review status: criteria provided, single submitter. Criteria: Invitae Variant Classification Sherloc (09022015). Collection method: clinical testing. Allele origin: germline.
Comment: This sequence change replaces arginine, which is basic and polar, with leucine, which is neutral and non-polar, at codon 421 of the PSAP protein (p.Arg421Leu). This variant is present in population databases (rs774088864, gnomAD 0.003%). This variant has not been reported in the literature in individuals affected with PSAP-related conditions. ClinVar contains an entry for this variant (Variation ID: 1419868). Invitae Evidence Modeling of protein sequence and biophysical properties (such as structural, functional, and spatial information, amino acid conservation, physicochemical variation, residue mobility, and thermodynamic stability) indicates that this missense variant is not expected to disrupt PSAP protein function with a negative predictive value of 95%. In summary, the available evidence is currently insufficient to determine the role of this variant in disease. Therefore, it has been classified as a Variant of Uncertain Significance.

NM_002778.4(PSAP):c.1262G>T (p.Arg421Leu)

Gene: PSAP (prosaposin; minus strand). Cytogenetic location: 10q22.1.
Variant type: single nucleotide variant.
Coding change: c.1262G>T on transcript NM_002778.4 (MANE Select); coding-DNA position 1262, G replaced by T.
Protein change: p.Arg421Leu; replaces arginine 421 with leucine.
Molecular consequence: missense variant.
Genome position (GRCh38, 1-based): chr10:71,819,553, C>A on the plus strand (G>T on the coding strand, the complement: PSAP is on the minus strand). VCF-style: chr10-71819553-C-A. GRCh37 (hg19) VCF-style: chr10-73579310-C-A.
Other names: c.1271G>T, p.Arg424Leu (NM_001042465.3); c.1268G>T, p.Arg423Leu (NM_001042466.3); short protein forms R423L, R424L, R421L.
Identifiers: ClinVar variation 1419868 (VCV001419868.6), dbSNP rs774088864, ClinGen allele CA5547417.